The following is an entry in ClinVar:

ClinVar aggregate classification (germline): Benign. Review status: criteria provided, multiple submitters, no conflicts (2 of 4 stars). 3 submissions from 3 submitters: Benign (2). 1 of the submissions does not count toward it. Last evaluated 2026-01-28.

Conditions:
OR2W3-related disorder. Also called: OR2W3-related condition.

Allele frequency attached by ClinVar (database versions not stated): 1000 Genomes Project 0.00300; ESP Exome Variant Server 0.00031; gnomAD 0.00147 and 0.00148; 1000 Genomes Project 30x 0.00297; TOPMed 0.00196; gnomAD exomes 0.00218 and 0.00059; ExAC 0.00180.

Submissions (3):

Labcorp Genetics (formerly Invitae), Labcorp
Classification: Benign. Last evaluated: 2026-01-28. Review status: criteria provided, single submitter. Criteria: Invitae Variant Classification Sherloc (09022015). Collection method: clinical testing. Allele origin: germline.

Breakthrough Genomics
Classification: Benign. Review status: criteria provided, single submitter. Criteria: ACMG Guidelines, 2015. Collection method: not provided. Allele origin: germline. Inheritance: Unknown mechanism. Affected: yes.

PreventionGenetics, part of Exact Sciences
Classification: Benign for OR2W3-related condition. Last evaluated: 2019-05-15. Review status: no assertion criteria provided. Collection method: clinical testing. Allele origin: germline. Not counted in ClinVar's aggregate classification.
Comment: This variant is classified as benign based on ACMG/AMP sequence variant interpretation guidelines (Richards et al. 2015 PMID: 25741868, with internal and published modifications).

NM_001001957.2(OR2W3):c.95T>G (p.Leu32Arg)

Gene: OR2W3 (olfactory receptor family 2 subfamily W member 3; plus strand). Cytogenetic location: 1q44.
Variant type: single nucleotide variant.
Coding change: c.95T>G on transcript NM_001001957.2 (MANE Select); coding-DNA position 95, T replaced by G.
Protein change: p.Leu32Arg; replaces leucine 32 with arginine.
Molecular consequence: missense variant.
Genome position (GRCh38, 1-based): chr1:247,895,681, T>G. VCF-style: chr1-247895681-T-G. GRCh37 (hg19) VCF-style: chr1-248058983-T-G.
Other names: short protein forms L32R.
Identifiers: ClinVar variation 1596160 (VCV001596160.11), dbSNP rs148037186, ClinGen allele CA1498509.